The following is an entry in ClinVar:

ClinVar aggregate classification (germline): Uncertain significance (1 of 4 stars; one submission).

Conditions:
Perry syndrome. Also called: PARKINSONISM WITH ALVEOLAR HYPOVENTILATION AND MENTAL DEPRESSION. Identifiers: Orphanet 178509, MedGen C1868594, MONDO:0008201, OMIM 168605.
Amyotrophic lateral sclerosis type 1 (ALS1). Also called: AMYOTROPHIC LATERAL SCLEROSIS 1, FAMILIAL. Identifiers: Orphanet 803, MedGen C1862939, MONDO:0007103, OMIM 105400.
Neuronopathy, distal hereditary motor, type 7B. Also called: HMN VIIB; LOWER MOTOR NEURON DISEASE, DYNACTIN TYPE; Distal Hereditary Motor Neuronopathy Type 7B (dHMN7B); NEURONOPATHY, DISTAL HEREDITARY MOTOR, AUTOSOMAL DOMINANT 14; NEURONOPATHY, DISTAL HEREDITARY MOTOR, HARDING TYPE VIIB; NEUROPATHY, DISTAL HEREDITARY MOTOR, HARDING TYPE VIIB. Identifiers: Orphanet 139589, MedGen C1843315, MONDO:0011879, OMIM 607641.

Allele frequency attached by ClinVar (database versions not stated): TOPMed below 0.00001; gnomAD 0.00001; gnomAD exomes 0.00002.
gnomAD v4.1: 32 of 1,613,856 alleles (0.002%); highest among the groups gnomAD compares: Non-Finnish European, 0.0026%; no homozygotes.

Submission:

Labcorp Genetics (formerly Invitae), Labcorp
Classification: Uncertain significance for Amyotrophic lateral sclerosis type 1; Neuronopathy, distal hereditary motor, type 7B; Perry syndrome. Last evaluated: 2025-01-07. Review status: criteria provided, single submitter. Criteria: Invitae Variant Classification Sherloc (09022015). Collection method: clinical testing. Allele origin: germline.
Comment: This sequence change replaces serine, which is neutral and polar, with glycine, which is neutral and non-polar, at codon 421 of the DCTN1 protein (p.Ser421Gly). This variant is not present in population databases (gnomAD no frequency). This variant has not been reported in the literature in individuals affected with DCTN1-related conditions. ClinVar contains an entry for this variant (Variation ID: 1425134). Invitae Evidence Modeling of protein sequence and biophysical properties (such as structural, functional, and spatial information, amino acid conservation, physicochemical variation, residue mobility, and thermodynamic stability) indicates that this missense variant is not expected to disrupt DCTN1 protein function with a negative predictive value of 95%. In summary, the available evidence is currently insufficient to determine the role of this variant in disease. Therefore, it has been classified as a Variant of Uncertain Significance.

NM_004082.5(DCTN1):c.1261A>G (p.Ser421Gly)

Gene: DCTN1 (dynactin subunit 1; minus strand). Cytogenetic location: 2p13.1.
Variant type: single nucleotide variant.
Coding change: c.1261A>G on transcript NM_004082.5 (MANE Select); coding-DNA position 1261, A replaced by G.
Protein change: p.Ser421Gly; replaces serine 421 with glycine.
Molecular consequence: missense variant. On other transcripts: non-coding transcript variant (1).
Genome position (GRCh38, 1-based): chr2:74,370,212, T>C on the plus strand (A>G on the coding strand, the complement: DCTN1 is on the minus strand). VCF-style: chr2-74370212-T-C. GRCh37 (hg19) VCF-style: chr2-74597339-T-C.
Other names: c.1201A>G, p.Ser401Gly (NM_001135040.3); c.859A>G, p.Ser287Gly (NM_001135041.3, NM_023019.4); c.1150A>G, p.Ser384Gly (NM_001190836.2); c.1240A>G, p.Ser414Gly (NM_001190837.2); c.1210A>G, p.Ser404Gly (NM_001378991.1); c.1192A>G, p.Ser398Gly (NM_001378992.1); short protein forms S398G, S401G, S384G, S287G, S404G, S414G, S421G.
Identifiers: ClinVar variation 1425134 (VCV001425134.6), dbSNP rs1417901024, ClinGen allele CA347360613.
Genomic context (GRCh38, chr2:74,370,212, plus strand): 5'-GGGGATTCTGGGTGAGGGGCTGGGCTCCCCAGACCTGCTCCTTGAGCTCATCAATGGTGC[T>C]CTCTGCCTGGCTTAGCTCCTCCTGCAGACGCTCCCGCTGTTGCCTCACAACTTCCAGCTC-3'
Protein context (NP_004073.2, residues 411-431): RLQEELSQAE[Ser421Gly]TIDELKEQVD